The following is an entry in ClinVar:

NM_017947.4(MOCOS):c.2002C>T (p.Arg668Trp)

Gene: MOCOS (molybdenum cofactor sulfurase; plus strand). Cytogenetic location: 18q12.2.
Variant type: single nucleotide variant.
Coding change: c.2002C>T on transcript NM_017947.4 (MANE Select); coding-DNA position 2002, C replaced by T.
Protein change: p.Arg668Trp; replaces arginine 668 with tryptophan.
Molecular consequence: missense variant.
Genome position (GRCh38, 1-based): chr18:36,248,963, C>T. VCF-style: chr18-36248963-C-T. GRCh37 (hg19) VCF-style: chr18-33828926-C-T.
Other names: c.2002C>T (NM_017947.2); short protein forms R668W.
Identifiers: ClinVar variation 2193698 (VCV002193698.4), dbSNP rs199995840, ClinGen allele CA8940907.

ClinVar aggregate classification (germline): Uncertain significance. Review status: criteria provided, multiple submitters, no conflicts (2 of 4 stars). 2 submissions from 2 submitters: Uncertain significance (2). Last evaluated 2025-11-26.

Conditions:
Xanthinuria type II. Also called: Xanthine dehydrogenase and aldehyde oxidase combined deficiency of; XDH and AOX dual deficiency. Identifiers: Orphanet 3467, Orphanet 93602, MedGen C1863688, MONDO:0011346, OMIM 603592.

Allele frequency attached by ClinVar (database versions not stated): gnomAD exomes 0.00005; TOPMed 0.00005; 1000 Genomes Project 0.00020; gnomAD 0.00003; ExAC 0.00009; 1000 Genomes Project 30x 0.00016.
gnomAD v4.1: 80 of 1,614,108 alleles (0.005%); highest among the groups gnomAD compares: Admixed American, 0.027%; no homozygotes.

Submissions (2):

Ambry Genetics
Classification: Uncertain significance. Last evaluated: 2025-11-26. Review status: criteria provided, single submitter. Criteria: Ambry Variant Classification Scheme 2023. Collection method: clinical testing. Allele origin: germline.

Labcorp Genetics (formerly Invitae), Labcorp
Classification: Uncertain significance for Xanthinuria type II. Last evaluated: 2022-06-11. Review status: criteria provided, single submitter. Criteria: Invitae Variant Classification Sherloc (09022015). Collection method: clinical testing. Allele origin: germline.
Comment: This sequence change replaces arginine, which is basic and polar, with tryptophan, which is neutral and slightly polar, at codon 668 of the MOCOS protein (p.Arg668Trp). This variant is present in population databases (rs199995840, gnomAD 0.03%). This variant has not been reported in the literature in individuals affected with MOCOS-related conditions. Algorithms developed to predict the effect of missense changes on protein structure and function output the following: SIFT: "Deleterious"; PolyPhen-2: "Benign"; Align-GVGD: "Class C0". The tryptophan amino acid residue is found in multiple mammalian species, which suggests that this missense change does not adversely affect protein function. In summary, the available evidence is currently insufficient to determine the role of this variant in disease. Therefore, it has been classified as a Variant of Uncertain Significance.